The following is an entry in ClinVar:

NM_000212.3(ITGB3):c.1805G>A (p.Ser602Asn)

Gene: ITGB3 (integrin subunit beta 3; plus strand). Cytogenetic location: 17q21.32.
Variant type: single nucleotide variant.
Coding change: c.1805G>A on transcript NM_000212.3 (MANE Select); coding-DNA position 1805, G replaced by A.
Protein change: p.Ser602Asn; replaces serine 602 with asparagine.
Molecular consequence: missense variant.
Genome position (GRCh38, 1-based): chr17:47,299,422, G>A. VCF-style: chr17-47299422-G-A. GRCh37 (hg19) VCF-style: chr17-45376788-G-A.
Other names: short protein forms S602N.
Identifiers: ClinVar variation 3896202 (VCV003896202.2).

ClinVar aggregate classification (germline): Uncertain significance (1 of 4 stars; one submission).

Submission:

Women's Health and Genetics/Laboratory Corporation of America, LabCorp
Classification: Uncertain significance. Last evaluated: 2025-04-17. Review status: criteria provided, single submitter. Criteria: LabCorp Variant Classification Summary - May 2015. Collection method: clinical testing. Allele origin: germline.
Comment: Variant summary: ITGB3 c.1805G>A (p.Ser602Asn) results in a conservative amino acid change in the encoded protein sequence. Three of five in-silico tools predict a damaging effect of the variant on protein function. The variant was absent in 251452 control chromosomes. The available data on variant occurrences in the general population are insufficient to allow any conclusion about variant significance. To our knowledge, no occurrence of c.1805G>A in individuals affected with Glanzmann Thrombasthenia 2 and no experimental evidence demonstrating its impact on protein function have been reported. No submitters have cited clinical-significance assessments for this variant to ClinVar. Based on the evidence outlined above, the variant was classified as uncertain significance.